The following is an entry in ClinVar:

ClinVar aggregate classification (germline): Benign/Likely benign. Review status: criteria provided, multiple submitters, no conflicts (2 of 4 stars). 3 submissions from 3 submitters: Benign (1); Likely benign (2). Last evaluated 2025-11-04.

Conditions:
Renal cell carcinoma. Identifiers: Orphanet 217071, MedGen C0007134, MeSH D002292, MONDO:0005086, HP:0005584.
Hereditary cancer-predisposing syndrome. Also called: Hereditary Cancer Syndrome; Hereditary neoplastic syndrome; Neoplastic Syndromes, Hereditary; Tumor predisposition. Identifiers: Orphanet 140162, MedGen C0027672, MeSH D009386, MONDO:0015356.
Papillary renal cell carcinoma type 1 (RCCP1). Also called: Renal adenocarcinoma; Renal cell carcinoma 1; Renal cell carcinoma, somatic; RENAL CELL CARCINOMA, PAPILLARY, 1, SOMATIC. Identifiers: Orphanet 47044, MedGen C1336839, OMIM 605074, HP:0011797.

Allele frequency attached by ClinVar (database versions not stated): ExAC 0.00001; gnomAD exomes 0.00001 and 0.00002; TOPMed 0.00001; gnomAD 0.00003; ESP Exome Variant Server 0.00008.

Submissions (3):

Labcorp Genetics (formerly Invitae), Labcorp
Classification: Likely benign for Renal cell carcinoma. Last evaluated: 2025-11-04. Review status: criteria provided, single submitter. Criteria: Invitae Variant Classification Sherloc (09022015). Collection method: clinical testing. Allele origin: germline.

Myriad Genetics, Inc.
Classification: Benign for Papillary renal cell carcinoma type 1. Last evaluated: 2024-11-12. Review status: criteria provided, single submitter. Criteria: Myriad Autosomal Dominant, Autosomal Recessive and X-Linked Classification Criteria (2023). Collection method: clinical testing. Allele origin: unknown.
Comment: This variant is considered benign. This variant is a silent/synonymous amino acid change and it is not expected to impact splicing.

Ambry Genetics
Classification: Likely benign for Hereditary cancer-predisposing syndrome. Last evaluated: 2021-08-16. Review status: criteria provided, single submitter. Criteria: Ambry Variant Classification Scheme 2023. Collection method: clinical testing. Allele origin: germline.

NM_000245.4(MET):c.2769A>C (p.Val923=)

Gene: MET (MET proto-oncogene, receptor tyrosine kinase; plus strand). Cytogenetic location: 7q31.2.
Variant type: single nucleotide variant.
Coding change: c.2769A>C on transcript NM_000245.4 (MANE Select); coding-DNA position 2769, A replaced by C.
Protein change: p.Val923=; no amino-acid change (valine 923 retained).
Molecular consequence: synonymous variant.
Genome position (GRCh38, 1-based): chr7:116,771,536, A>C. VCF-style: chr7-116771536-A-C. GRCh37 (hg19) VCF-style: chr7-116411590-A-C.
Other names: c.2823A>C (LRG_662t1); c.2823A>C, p.Val941= (NM_001127500.3); c.1479A>C, p.Val493= (NM_001324402.2).
Identifiers: ClinVar variation 454224 (VCV000454224.14), dbSNP rs371015065, ClinGen allele CA4448586.
Genomic context (GRCh38, chr7:116,771,536, plus strand): 5'-TTTCTTTATTTGTCATTTTTAGTGGAAGCAAGCAATTTCTTCAACCGTCCTTGGAAAAGT[A>C]ATAGTTCAACCAGATCAGAATTTCACAGGATTGATTGCTGGTGTTGTCTCAATATCAACA-3'
Protein context (NP_000236.2, residues 913-933): QAISSTVLGK[Val923=]IVQPDQNFTG